The following is an entry in ClinVar:

NM_018669.6(WDR4):c.508C>T (p.Arg170Ter)

Gene: WDR4 (WDR4 tRNA N7-guanosine methyltransferase non-catalytic subunit; minus strand). Cytogenetic location: 21q22.3.
Variant type: single nucleotide variant.
Coding change: c.508C>T on transcript NM_018669.6 (MANE Select); coding-DNA position 508, C replaced by T.
Protein change: p.Arg170Ter; replaces arginine 170 with a stop codon.
Molecular consequence: nonsense. On other transcripts: non-coding transcript variant (1).
Genome position (GRCh38, 1-based): chr21:42,862,340, G>A on the plus strand (C>T on the coding strand, the complement: WDR4 is on the minus strand). VCF-style: chr21-42862340-G-A. GRCh37 (hg19) VCF-style: chr21-44282450-G-A.
Other names: c.508C>T, p.Arg170Ter (NM_001260474.2, NM_033661.5); c.70C>T, p.Arg24Ter (NM_001260475.2, NM_001260476.2, NM_001260477.2 and 1 more transcripts); c.508C>T (NM_033661.4); short protein forms R170*, R24*.
Identifiers: ClinVar variation 2085363 (VCV002085363.5), dbSNP rs372155244, ClinGen allele CA10046074.

ClinVar aggregate classification (germline): Conflicting classifications of pathogenicity. Review status: criteria provided, conflicting classifications (1 of 4 stars). 2 submissions from 2 submitters: Pathogenic (1); Uncertain significance (1). Last evaluated 2026-02-01.

Allele frequency attached by ClinVar (database versions not stated): gnomAD 0.00001; ExAC 0.00002; TOPMed 0.00003; ESP Exome Variant Server 0.00008.
gnomAD v4.1: 5 of 1,611,840 alleles (0.00031%); highest among the groups gnomAD compares: East Asian, 0.0045%; no homozygotes.

Submissions (2):

GeneDx
Classification: Uncertain significance. Last evaluated: 2026-02-01. Review status: criteria provided, single submitter. Criteria: GeneDx Variant Classification Process June 2021. Collection method: clinical testing. Allele origin: germline.
Comment: Nonsense variant predicted to result in protein truncation or nonsense mediated decay in a gene for which loss of function is a known mechanism of disease; Has not been previously published as pathogenic or benign to our knowledge; This variant is associated with the following publications: (PMID: 29597095, 30079490)

Labcorp Genetics (formerly Invitae), Labcorp
Classification: Pathogenic. Last evaluated: 2022-09-27. Review status: criteria provided, single submitter. Criteria: Invitae Variant Classification Sherloc (09022015). Collection method: clinical testing. Allele origin: germline.
Comment: The frequency data for this variant in the population databases is considered unreliable, as metrics indicate poor data quality at this position in the gnomAD database. This sequence change creates a premature translational stop signal (p.Arg170*) in the WDR4 gene. It is expected to result in an absent or disrupted protein product. Loss-of-function variants in WDR4 are known to be pathogenic (PMID: 29597095, 30079490). This variant has not been reported in the literature in individuals affected with WDR4-related conditions. For these reasons, this variant has been classified as Pathogenic.

Literature cited by the submitters: PubMed 29597095 (cited by Labcorp Genetics (formerly Invitae), Labcorp); PubMed 30079490 (cited by Labcorp Genetics (formerly Invitae), Labcorp).